The following is an entry in ClinVar:

ClinVar aggregate classification (germline): Uncertain significance. Review status: criteria provided, multiple submitters, no conflicts (2 of 4 stars). 2 submissions from 2 submitters: Uncertain significance (2). Last evaluated 2025-02-18.

Conditions:
Inborn genetic diseases. Identifiers: MedGen C0950123, MeSH D030342.

Allele frequency attached by ClinVar (database versions not stated): gnomAD exomes below 0.00001.
gnomAD v4.1: 2 of 1,614,234 alleles (0.00012%); highest among the groups gnomAD compares: Admixed American, 0.0017%; no homozygotes.

Submissions (2):

Ambry Genetics
Classification: Uncertain significance for Inborn genetic diseases. Last evaluated: 2025-02-18. Review status: criteria provided, single submitter. Criteria: Ambry Variant Classification Scheme 2023. Collection method: clinical testing. Allele origin: germline.

Labcorp Genetics (formerly Invitae), Labcorp
Classification: Uncertain significance. Last evaluated: 2022-02-14. Review status: criteria provided, single submitter. Criteria: Invitae Variant Classification Sherloc (09022015). Collection method: clinical testing. Allele origin: germline.
Comment: In summary, the available evidence is currently insufficient to determine the role of this variant in disease. Therefore, it has been classified as a Variant of Uncertain Significance. Algorithms developed to predict the effect of missense changes on protein structure and function are either unavailable or do not agree on the potential impact of this missense change (SIFT: "Deleterious"; PolyPhen-2: "Possibly Damaging"; Align-GVGD: "Class C0"). This variant has not been reported in the literature in individuals affected with NCSTN-related conditions. This variant is present in population databases (no rsID available, gnomAD 0.003%). This sequence change replaces alanine, which is neutral and non-polar, with valine, which is neutral and non-polar, at codon 497 of the NCSTN protein (p.Ala497Val).

NM_015331.3(NCSTN):c.1490C>T (p.Ala497Val)

Gene: NCSTN (nicastrin; plus strand). Cytogenetic location: 1q23.2.
Variant type: single nucleotide variant.
Coding change: c.1490C>T on transcript NM_015331.3 (MANE Select); coding-DNA position 1490, C replaced by T.
Protein change: p.Ala497Val; replaces alanine 497 with valine.
Molecular consequence: missense variant.
Genome position (GRCh38, 1-based): chr1:160,355,897, C>T. VCF-style: chr1-160355897-C-T. GRCh37 (hg19) VCF-style: chr1-160325687-C-T.
Other names: c.1430C>T, p.Ala477Val (NM_001290184.2); c.1076C>T, p.Ala359Val (NM_001290186.2); c.1490C>T, p.Ala497Val (NM_001349729.2); c.1490C>T (NM_015331.2); short protein forms A359V, A497V, A477V.
Identifiers: ClinVar variation 1956891 (VCV001956891.6), dbSNP rs1226264504, ClinGen allele CA343282168.
Genomic context (GRCh38, chr1:160,355,897, plus strand): 5'-TTCAGCCCCCTCCTCACCTACCACAGGCCCTGGCAGATGTGGCCACGGTGCTGGGACGTG[C>T]TCTGTATGAGCTTGCAGGAGGAACCAACTTCAGCGACACAGTTCAGGCTGATCCCCAAAC-3'
Protein context (NP_056146.1, residues 487-507): LADVATVLGR[Ala497Val]LYELAGGTNF